The following is an entry in ClinVar:

NM_000435.3(NOTCH3):c.533C>G (p.Pro178Arg)

Gene: NOTCH3 (notch receptor 3; minus strand). Cytogenetic location: 19p13.12.
Variant type: single nucleotide variant.
Coding change: c.533C>G on transcript NM_000435.3 (MANE Select); coding-DNA position 533, C replaced by G.
Protein change: p.Pro178Arg; replaces proline 178 with arginine.
Molecular consequence: missense variant.
Genome position (GRCh38, 1-based): chr19:15,192,106, G>C on the plus strand (C>G on the coding strand, the complement: NOTCH3 is on the minus strand). VCF-style: chr19-15192106-G-C. GRCh37 (hg19) VCF-style: chr19-15302917-G-C.
Other names: short protein forms P178R.
Identifiers: ClinVar variation 4810245 (VCV004810245.1).

ClinVar aggregate classification (germline): Uncertain significance (1 of 4 stars; one submission).

Submission:

Labcorp Genetics (formerly Invitae), Labcorp
Classification: Uncertain significance. Last evaluated: 2025-07-13. Review status: criteria provided, single submitter. Criteria: Invitae Variant Classification Sherloc (09022015). Collection method: clinical testing. Allele origin: germline.
Comment: This sequence change replaces proline, which is neutral and non-polar, with arginine, which is basic and polar, at codon 178 of the NOTCH3 protein (p.Pro178Arg). This variant is present in population databases (rs769736007, gnomAD 0.003%). This variant has not been reported in the literature in individuals affected with NOTCH3-related conditions. Invitae Evidence Modeling of protein sequence and biophysical properties (such as structural, functional, and spatial information, amino acid conservation, physicochemical variation, residue mobility, and thermodynamic stability) has been performed for this missense variant. However, the output from this modeling did not meet the statistical confidence thresholds required to predict the impact of this variant on NOTCH3 protein function. In summary, the available evidence is currently insufficient to determine the role of this variant in disease. Therefore, it has been classified as a Variant of Uncertain Significance.